The following is an entry in ClinVar:

ClinVar aggregate classification (germline): Uncertain significance (1 of 4 stars; one submission).

Conditions:
Creatine transporter deficiency (CCDS1). Also called: Mental retardation , X-linked with seizures, short stature and midface hypoplasia; Mental retardation , X-linked, with creatine transport deficiency; X-linked creatine transporter deficiency; X-linked creatine deficiency syndrome; SLC6A8-Related Creatine Transporter Deficiency; CREATINE TRANSPORTER DEFECT. Identifiers: Orphanet 52503, MedGen C1845862, MONDO:0010305, OMIM 300352.

Submission:

Dasa
Classification: Uncertain significance for Creatine transporter deficiency. Last evaluated: 2025-09-26. Review status: criteria provided, single submitter. Criteria: DASA Assertion Criteria. Collection method: clinical testing. Allele origin: germline.
Comment: NM_005629.4(SLC6A8):c.1763C>A (p.Ala588Asp) is a missense variant that results in the substitution of alanine with aspartic acid. This variant is rare in population databases. The currently available literature and clinical evidence are not sufficient to establish a definitive association between this variant and the reported condition. Therefore, this variant is classified as a variant of uncertain significance.

NM_005629.4(SLC6A8):c.1763C>A (p.Ala588Asp)

Gene: SLC6A8 (solute carrier family 6 member 8; plus strand). Cytogenetic location: Xq28.
Variant type: single nucleotide variant.
Coding change: c.1763C>A on transcript NM_005629.4 (MANE Select); coding-DNA position 1763, C replaced by A.
Protein change: p.Ala588Asp; replaces alanine 588 with aspartic acid.
Molecular consequence: missense variant.
Genome position (GRCh38, 1-based): chrX:153,694,885, C>A. VCF-style: chrX-153694885-C-A. GRCh37 (hg19) VCF-style: chrX-152960340-C-A.
Other names: c.1733C>A, p.Ala578Asp (NM_001142805.2); c.1418C>A, p.Ala473Asp (NM_001142806.1); short protein forms A473D, A578D, A588D.
Identifiers: ClinVar variation 4882301 (VCV004882301.2).